The following is an entry in ClinVar:

NM_004260.4(RECQL4):c.865G>C (p.Ala289Pro)

Gene: RECQL4 (RecQ like helicase 4; minus strand). Cytogenetic location: 8q24.3.
Variant type: single nucleotide variant.
Coding change: c.865G>C on transcript NM_004260.4 (MANE Select); coding-DNA position 865, G replaced by C.
Protein change: p.Ala289Pro; replaces alanine 289 with proline.
Molecular consequence: missense variant. On other transcripts: 5 prime UTR variant (17), non-coding transcript variant (3).
Genome position (GRCh38, 1-based): chr8:144,516,254, C>G on the plus strand (G>C on the coding strand, the complement: RECQL4 is on the minus strand). VCF-style: chr8-144516254-C-G. GRCh37 (hg19) VCF-style: chr8-145741638-C-G.
Other names: c.865G>C, p.Ala289Pro (NM_001413018.1, NM_001413019.1, NM_001413020.1 and 4 more transcripts); c.-207G>C (NM_001413021.1, NM_001413022.1, NM_001413023.1 and 7 more transcripts); c.736G>C, p.Ala246Pro (NM_001413025.1); c.-269G>C (NM_001413027.1, NM_001413030.1, NM_001413031.1 and 2 more transcripts); c.514G>C, p.Ala172Pro (NM_001413029.1); c.-111G>C (NM_001413034.1); c.-476G>C (NM_001413043.1); short protein forms A246P, A172P, A289P.
Identifiers: ClinVar variation 2749150 (VCV002749150.3), dbSNP rs200382712, ClinGen allele CA187688754.
Genomic context (GRCh38, chr8:144,516,254, plus strand): 5'-GAGGTGGCTGTGCCTGTACAGGTTCCCCTGGAGGGTCTTCCTCAACTGCTACAGCCCCAG[C>G]CCCCTCCGATGGGGGTCCAGCTTGGCTGCTCTCCTGCTGGACCTGTGCGGGGCTCTCCCA-3'
Protein context (NP_004251.4, residues 279-299): SSQAGPPSEG[Ala289Pro]GAVAVEEDPP

ClinVar aggregate classification (germline): Uncertain significance (1 of 4 stars; one submission).

Conditions:
Baller-Gerold syndrome (BGS). Also called: CRANIOSYNOSTOSIS WITH RADIAL DEFECTS. Identifiers: Orphanet 1225, MedGen C0265308, MONDO:0009039, OMIM 218600.

Submission:

Labcorp Genetics (formerly Invitae), Labcorp
Classification: Uncertain significance for Baller-Gerold syndrome. Last evaluated: 2023-08-02. Review status: criteria provided, single submitter. Criteria: Invitae Variant Classification Sherloc (09022015). Collection method: clinical testing. Allele origin: germline.
Comment: In summary, the available evidence is currently insufficient to determine the role of this variant in disease. Therefore, it has been classified as a Variant of Uncertain Significance. Advanced modeling of protein sequence and biophysical properties (such as structural, functional, and spatial information, amino acid conservation, physicochemical variation, residue mobility, and thermodynamic stability) performed at Invitae indicates that this missense variant is not expected to disrupt RECQL4 protein function. This variant has not been reported in the literature in individuals affected with RECQL4-related conditions. This variant is not present in population databases (gnomAD no frequency). This sequence change replaces alanine, which is neutral and non-polar, with proline, which is neutral and non-polar, at codon 289 of the RECQL4 protein (p.Ala289Pro).